The following is an entry in ClinVar:

ClinVar aggregate classification (germline): Conflicting classifications of pathogenicity. Review status: criteria provided, conflicting classifications (1 of 4 stars). 3 submissions from 3 submitters: Uncertain significance (2); Benign (1). Last evaluated 2025-10-16.

Conditions:
Cardiovascular phenotype. Identifiers: MedGen CN230736.
Long QT syndrome 11 (LQT11). Identifiers: Orphanet 101016, Orphanet 768, MedGen C2678483, MONDO:0012738, OMIM 611820.
Long QT syndrome (LQTS). Identifiers: MedGen C0023976, MeSH D008133, MONDO:0002442. Disease mechanism: loss of function. Inheritance: Various modes of inheritance.

Allele frequency attached by ClinVar (database versions not stated): TOPMed 0.00002; gnomAD 0.00008; gnomAD exomes 0.00010 and 0.00023; ExAC 0.00029; 1000 Genomes Project 30x 0.00078; 1000 Genomes Project 0.00080.

Submissions (3):

Ambry Genetics
Classification: Benign for Cardiovascular phenotype. Last evaluated: 2025-10-16. Review status: criteria provided, single submitter. Criteria: Ambry Variant Classification Scheme 2023. Collection method: clinical testing. Allele origin: germline.

Labcorp Genetics (formerly Invitae), Labcorp
Classification: Uncertain significance for Long QT syndrome. Last evaluated: 2025-04-17. Review status: criteria provided, single submitter. Criteria: Invitae Variant Classification Sherloc (09022015). Collection method: clinical testing. Allele origin: germline.
Comment: This sequence change replaces methionine, which is neutral and non-polar, with isoleucine, which is neutral and non-polar, at codon 1288 of the AKAP9 protein (p.Met1288Ile). This variant is present in population databases (rs547958010, gnomAD 0.2%), and has an allele count higher than expected for a pathogenic variant. This variant has not been reported in the literature in individuals affected with AKAP9-related conditions. ClinVar contains an entry for this variant (Variation ID: 1462124). An algorithm developed to predict the effect of missense changes on protein structure and function (PolyPhen-2) suggests that this variant is likely to be tolerated. In summary, the available evidence is currently insufficient to determine the role of this variant in disease. Therefore, it has been classified as a Variant of Uncertain Significance.

Fulgent Genetics
Classification: Uncertain significance for Long QT syndrome 11. Last evaluated: 2021-09-28. Review status: criteria provided, single submitter. Criteria: ACMG Guidelines, 2015. Collection method: clinical testing. Allele origin: unknown.

NM_005751.5(AKAP9):c.3864G>A (p.Met1288Ile)

Gene: AKAP9 (A-kinase anchoring protein 9; plus strand). Cytogenetic location: 7q21.2.
Variant type: single nucleotide variant.
Coding change: c.3864G>A on transcript NM_005751.5 (MANE Select); coding-DNA position 3864, G replaced by A.
Protein change: p.Met1288Ile; replaces methionine 1288 with isoleucine.
Molecular consequence: missense variant.
Genome position (GRCh38, 1-based): chr7:92,022,264, G>A. VCF-style: chr7-92022264-G-A. GRCh37 (hg19) VCF-style: chr7-91651578-G-A.
Other names: c.3864G>A, p.Met1288Ile (NM_147185.3); c.3864G>A (NM_005751.4); short protein forms M1288I.
Identifiers: ClinVar variation 1462124 (VCV001462124.8), dbSNP rs547958010, ClinGen allele CA4336419.